The following is an entry in ClinVar:

NM_001170700.3(DTHD1):c.2340+3G>T

Gene: DTHD1 (death domain containing 1; plus strand). Cytogenetic location: 4p14.
Variant type: single nucleotide variant.
Coding change: c.2340+3G>T on transcript NM_001170700.3 (MANE Select); 3 bases into the intron after coding-DNA position 2340, G replaced by T.
Molecular consequence: intron variant.
Genome position (GRCh38, 1-based): chr4:36,316,489, G>T. VCF-style: chr4-36316489-G-T. GRCh37 (hg19) VCF-style: chr4-36318111-G-T.
Other names: c.1470+3G>T (NM_001136536.5); c.1407+3G>T (NM_001378435.1).
Identifiers: ClinVar variation 958641 (VCV000958641.7), dbSNP rs1471673437, ClinGen allele CA1139658455.

ClinVar aggregate classification (germline): Uncertain significance (1 of 4 stars; one submission).

gnomAD v4.1: 1 of 1,544,552 alleles (0.000065%); highest among the groups gnomAD compares: Non-Finnish European, 0.000087%; no homozygotes.

Submission:

Labcorp Genetics (formerly Invitae), Labcorp
Classification: Uncertain significance. Last evaluated: 2021-10-29. Review status: criteria provided, single submitter. Criteria: Invitae Variant Classification Sherloc (09022015). Collection method: clinical testing. Allele origin: germline.
Comment: In summary, the available evidence is currently insufficient to determine the role of this variant in disease. Therefore, it has been classified as a Variant of Uncertain Significance. Variants that disrupt the consensus splice site are a relatively common cause of aberrant splicing (PMID: 17576681, 9536098). Algorithms developed to predict the effect of sequence changes on RNA splicing suggest that this variant may disrupt the consensus splice site. ClinVar contains an entry for this variant (Variation ID: 958641). This variant has not been reported in the literature in individuals affected with DTHD1-related conditions. This variant is not present in population databases (gnomAD no frequency). This sequence change falls in intron 7 of the DTHD1 gene. It does not directly change the encoded amino acid sequence of the DTHD1 protein. It affects a nucleotide within the consensus splice site.

Literature cited by the submitters: PubMed 17576681; PubMed 9536098.